The following is an entry in ClinVar:

NM_014264.5(PLK4):c.2401A>G (p.Ile801Val)

Gene: PLK4 (polo like kinase 4; plus strand). Cytogenetic location: 4q28.1.
Variant type: single nucleotide variant.
Coding change: c.2401A>G on transcript NM_014264.5 (MANE Select); coding-DNA position 2401, A replaced by G.
Protein change: p.Ile801Val; replaces isoleucine 801 with valine.
Molecular consequence: missense variant.
Genome position (GRCh38, 1-based): chr4:127,893,591, A>G. VCF-style: chr4-127893591-A-G. GRCh37 (hg19) VCF-style: chr4-128814746-A-G.
Other names: c.2305A>G, p.Ile769Val (NM_001190799.2); c.2278A>G, p.Ile760Val (NM_001190801.2); short protein forms I760V, I769V, I801V.
Identifiers: ClinVar variation 846363 (VCV000846363.8), dbSNP rs142713113, ClinGen allele CA3077043.

ClinVar aggregate classification (germline): Conflicting classifications of pathogenicity. Review status: criteria provided, conflicting classifications (1 of 4 stars). 3 submissions from 3 submitters: Uncertain significance (2); Likely benign (1). Last evaluated 2025-09-28.

Conditions:
Inborn genetic diseases. Identifiers: MedGen C0950123, MeSH D030342.

Allele frequency attached by ClinVar (database versions not stated): gnomAD exomes 0.00017 and 0.00053; ExAC 0.00020; gnomAD 0.00022 and 0.00023; TOPMed 0.00023; ESP Exome Variant Server 0.00046.
gnomAD v4.1: 834 of 1,610,738 alleles (0.052%); highest among the groups gnomAD compares: Non-Finnish European, 0.065%; no homozygotes.

Submissions (4):

Ambry Genetics
Classification: Uncertain significance for Inborn genetic diseases. Last evaluated: 2025-09-28. Review status: criteria provided, single submitter. Criteria: Ambry Variant Classification Scheme 2023. Collection method: clinical testing. Allele origin: germline.

Blueprint Genetics
Classification: Likely benign. Last evaluated: 2024-09-11. Review status: criteria provided, single submitter. Criteria: ACMG Guidelines, 2015. Collection method: clinical testing. Allele origin: germline.

Labcorp Genetics (formerly Invitae), Labcorp
Classification: Uncertain significance. Last evaluated: 2022-09-27. Review status: criteria provided, single submitter. Criteria: Invitae Variant Classification Sherloc (09022015). Collection method: clinical testing. Allele origin: germline.
Comment: This sequence change replaces isoleucine, which is neutral and non-polar, with valine, which is neutral and non-polar, at codon 801 of the PLK4 protein (p.Ile801Val). This variant is present in population databases (rs142713113, gnomAD 0.04%). This variant has not been reported in the literature in individuals affected with PLK4-related conditions. ClinVar contains an entry for this variant (Variation ID: 846363). Algorithms developed to predict the effect of missense changes on protein structure and function output the following: SIFT: "Tolerated"; PolyPhen-2: "Benign"; Align-GVGD: "Class C0". The valine amino acid residue is found in multiple mammalian species, which suggests that this missense change does not adversely affect protein function. Algorithms developed to predict the effect of sequence changes on RNA splicing suggest that this variant may create or strengthen a splice site. In summary, the available evidence is currently insufficient to determine the role of this variant in disease. Therefore, it has been classified as a Variant of Uncertain Significance.

Dr. Peter K. Rogan Lab, Western University
No classification provided (evidence only). Condition: Melanoma. Review status: no classification provided. Collection method: in vitro. Allele origin: not applicable. Functional consequence: retained intron. Not counted in ClinVar's aggregate classification.